The following is an entry in ClinVar:

ClinVar aggregate classification (germline): Uncertain significance (1 of 4 stars; one submission).

Submission:

CeGaT Center for Human Genetics Tuebingen
Classification: Uncertain significance. Last evaluated: 2024-06-01. Review status: criteria provided, single submitter. Criteria: CeGaT Center For Human Genetics Tuebingen Variant Classification Criteria Version 2. Collection method: clinical testing. Allele origin: germline. Affected: yes. Observed: 1 variant allele.
Comment: PLEC: PM2, PM4:Supporting

NM_201384.3(PLEC):c.6679GAG[2] (p.Glu2229del)

Gene: PLEC (plectin; minus strand). Cytogenetic location: 8q24.3.
Variant type: Microsatellite.
Coding change: c.6679GAG[2] on transcript NM_201384.3 (MANE Select); two copies in a row of the 3-base unit GAG starting at c.6679; the reference has three copies in a row; one copy, 3 bases deleted.
Protein change: p.Glu2229del; deletes glutamic acid 2229.
Molecular consequence: inframe deletion. On other transcripts: intron variant (1).
Genome position (GRCh38, 1-based): chr8:143,923,242-143,923,244, CTC deleted on the plus strand (GAG on the coding strand, the reverse complement: PLEC is on the minus strand); deleting any 3 consecutive bases within chr8:143,923,242-143,923,251 gives the same sequence; the position shown is the placement nearest the transcript's 3' end. VCF-style (leftmost placement, unchanged base first): chr8-143923241-GCTC-G. GRCh37 (hg19) VCF-style: chr8-144997409-GCTC-G.
Other names: c.6760GAG[2], p.Glu2256del (NM_000445.5); c.6637GAG[2], p.Glu2215del (NM_201378.4); c.6613GAG[2], p.Glu2207del (NM_201379.3); c.7090GAG[2], p.Glu2366del (NM_201380.4); c.6583GAG[2], p.Glu2197del (NM_201381.3); c.6679GAG[2], p.Glu2229del (NM_201382.4); c.6691GAG[2], p.Glu2233del (NM_201383.3); c.4126-855GAG[2] (NM_001410941.1); short protein forms E2197del, E2207del, E2215del, E2229del, E2233del, E2256del, E2366del.
Identifiers: ClinVar variation 3250700 (VCV003250700.18), dbSNP rs1554691691.